The following is an entry in ClinVar:

NM_000834.5(GRIN2B):c.4172T>C (p.Phe1391Ser)

Gene: GRIN2B (glutamate ionotropic receptor NMDA type subunit 2B; minus strand). Cytogenetic location: 12p13.1.
Variant type: single nucleotide variant.
Coding change: c.4172T>C on transcript NM_000834.5 (MANE Select); coding-DNA position 4172, T replaced by C.
Protein change: p.Phe1391Ser; replaces phenylalanine 1391 with serine.
Molecular consequence: missense variant.
Genome position (GRCh38, 1-based): chr12:13,563,066, A>G on the plus strand (T>C on the coding strand, the complement: GRIN2B is on the minus strand). VCF-style: chr12-13563066-A-G. GRCh37 (hg19) VCF-style: chr12-13716000-A-G.
Other names: short protein forms F1391S.
Identifiers: ClinVar variation 985037 (VCV000985037.7), dbSNP rs1948570623, ClinGen allele CA383986236.

ClinVar aggregate classification (germline): Uncertain significance. Review status: criteria provided, multiple submitters, no conflicts (2 of 4 stars). 3 submissions from 3 submitters: Uncertain significance (3). Last evaluated 2024-11-19.

Conditions:
Intellectual developmental disorder, autosomal dominant 6, with or without seizures. Also called: Intellectual disability, autosomal dominant 6; GRIN2B-related developmental delay, intellectual disability and autism spectrum disorder. Identifiers: Orphanet 589547, MedGen C3151411, MONDO:0013509, OMIM 613970.
Developmental and epileptic encephalopathy, 27 (DEE27). Also called: Epileptic encephalopathy, early infantile, 27; GRIN2B-Related Neurodevelopmental Disorder. Identifiers: Orphanet 3451, MedGen C4015316, MONDO:0014505, OMIM 616139.
Inborn genetic diseases. Identifiers: MedGen C0950123, MeSH D030342.

gnomAD v4.1: 1 of 1,614,108 alleles (0.000062%); no homozygotes.

Submissions (3):

Women's Health and Genetics/Laboratory Corporation of America, LabCorp
Classification: Uncertain significance. Last evaluated: 2024-11-19. Review status: criteria provided, single submitter. Criteria: LabCorp Variant Classification Summary - May 2015. Collection method: clinical testing. Allele origin: germline.
Comment: Variant summary: GRIN2B c.4172T>C (p.Phe1391Ser) results in a non-conservative amino acid change located in the N-methyl D-aspartate receptor 2B3 C-terminus domain (IPR018884) of the encoded protein sequence. Three of five in-silico tools predict a benign effect of the variant on protein function. The variant was absent in 251460 control chromosomes. The available data on variant occurrences in the general population are insufficient to allow any conclusion about variant significance. To our knowledge, no occurrence of c.4172T>C in individuals affected with Mental Retardation, Autosomal Dominant 6 and no experimental evidence demonstrating its impact on protein function have been reported. ClinVar contains an entry for this variant (Variation ID: 985037). Based on the evidence outlined above, the variant was classified as uncertain significance.

Labcorp Genetics (formerly Invitae), Labcorp
Classification: Uncertain significance for Developmental and epileptic encephalopathy, 27; Intellectual developmental disorder, autosomal dominant 6, with or without seizures. Last evaluated: 2024-04-22. Review status: criteria provided, single submitter. Criteria: Invitae Variant Classification Sherloc (09022015). Collection method: clinical testing. Allele origin: germline.
Comment: This sequence change replaces phenylalanine, which is neutral and non-polar, with serine, which is neutral and polar, at codon 1391 of the GRIN2B protein (p.Phe1391Ser). This variant is not present in population databases (gnomAD no frequency). This variant has not been reported in the literature in individuals affected with GRIN2B-related conditions. ClinVar contains an entry for this variant (Variation ID: 985037). Advanced modeling of protein sequence and biophysical properties (such as structural, functional, and spatial information, amino acid conservation, physicochemical variation, residue mobility, and thermodynamic stability) performed at Invitae indicates that this missense variant is not expected to disrupt GRIN2B protein function with a negative predictive value of 95%. In summary, the available evidence is currently insufficient to determine the role of this variant in disease. Therefore, it has been classified as a Variant of Uncertain Significance.

Ambry Genetics
Classification: Uncertain significance for Inborn genetic diseases. Last evaluated: 2018-07-24. Review status: criteria provided, single submitter. Criteria: Ambry exome assertion method (8-5-2015). Collection method: clinical testing. Allele origin: germline. Affected: yes. Observed: 1 variant allele.